The following is an entry in ClinVar:

NM_002609.4(PDGFRB):c.1540G>A (p.Val514Met)

Gene: PDGFRB (platelet derived growth factor receptor beta; minus strand). Cytogenetic location: 5q32.
Variant type: single nucleotide variant.
Coding change: c.1540G>A on transcript NM_002609.4 (MANE Select); coding-DNA position 1540, G replaced by A.
Protein change: p.Val514Met; replaces valine 514 with methionine.
Molecular consequence: missense variant.
Genome position (GRCh38, 1-based): chr5:150,129,796, C>T on the plus strand (G>A on the coding strand, the complement: PDGFRB is on the minus strand). VCF-style: chr5-150129796-C-T. GRCh37 (hg19) VCF-style: chr5-149509359-C-T.
Other names: c.1348G>A, p.Val450Met (NM_001355016.2); c.1057G>A, p.Val353Met (NM_001355017.2); short protein forms V353M, V450M, V514M.
Identifiers: ClinVar variation 2952521 (VCV002952521.3), dbSNP rs2113902538, ClinGen allele CA361714623.

ClinVar aggregate classification (germline): Uncertain significance (1 of 4 stars; one submission).

Conditions:
Infantile myofibromatosis (IMF). Also called: Congenital generalized fibromatosis. Identifiers: Orphanet 2591, MedGen C0432284, MONDO:0016824.
Skeletal overgrowth-craniofacial dysmorphism-hyperelastic skin-white matter lesions syndrome. Also called: SKELETAL OVERGROWTH WITH FACIAL DYSMORPHISM, HYPERELASTIC SKIN, WHITE MATTER LESIONS, AND NEUROLOGIC DETERIORATION; Kosaki overgrowth syndrome. Identifiers: Orphanet 477831, MedGen C4225270, MONDO:0014704, OMIM 616592.
Acroosteolysis-keloid-like lesions-premature aging syndrome. Also called: Premature aging syndrome, Penttinen type; Prematurely aged appearance, delayed bone maturation, acro-osteolysis, and brachydactyly; Progeroid syndrome, Penttinen type. Identifiers: Orphanet 363665, MedGen C1866182, MONDO:0011150, OMIM 601812.
Basal ganglia calcification, idiopathic, 4 (PFBC4). Also called: Familial Idiopathic Basal Ganglia Calcification 4; PRIMARY FAMILIAL BRAIN CALCIFICATION 4, AUTOSOMAL DOMINANT. Identifiers: Orphanet 1980, MedGen C3554321, MONDO:0014004, OMIM 615007.

Submission:

Labcorp Genetics (formerly Invitae), Labcorp
Classification: Uncertain significance for Basal ganglia calcification, idiopathic, 4; Skeletal overgrowth-craniofacial dysmorphism-hyperelastic skin-white matter lesions syndrome; Infantile myofibromatosis; Acroosteolysis-keloid-like lesions-premature aging syndrome. Last evaluated: 2023-10-15. Review status: criteria provided, single submitter. Criteria: Invitae Variant Classification Sherloc (09022015). Collection method: clinical testing. Allele origin: germline.
Comment: This sequence change replaces valine, which is neutral and non-polar, with methionine, which is neutral and non-polar, at codon 514 of the PDGFRB protein (p.Val514Met). This variant is not present in population databases (gnomAD no frequency). This variant has not been reported in the literature in individuals affected with PDGFRB-related conditions. Advanced modeling of protein sequence and biophysical properties (such as structural, functional, and spatial information, amino acid conservation, physicochemical variation, residue mobility, and thermodynamic stability) performed at Invitae indicates that this missense variant is not expected to disrupt PDGFRB protein function. In summary, the available evidence is currently insufficient to determine the role of this variant in disease. Therefore, it has been classified as a Variant of Uncertain Significance.